The following is an entry in ClinVar:

NM_152732.5(RSPH9):c.702T>C (p.Asn234=)

Gene: RSPH9 (radial spoke head component 9; plus strand). Cytogenetic location: 6p21.1.
Variant type: single nucleotide variant.
Coding change: c.702T>C on transcript NM_152732.5 (MANE Select); coding-DNA position 702, T replaced by C.
Protein change: p.Asn234=; no amino-acid change (asparagine 234 retained).
Molecular consequence: synonymous variant. On other transcripts: missense variant (2), non-coding transcript variant (2).
Genome position (GRCh38, 1-based): chr6:43,670,820, T>C. VCF-style: chr6-43670820-T-C. GRCh37 (hg19) VCF-style: chr6-43638557-T-C.
Other names: c.754T>C, p.Cys252Arg (NM_001193341.2); c.799T>C, p.Cys267Arg (NM_001424119.1); c.657T>C, p.Asn219= (NM_001424120.1); short protein forms C252R, C267R.
Identifiers: ClinVar variation 227904 (VCV000227904.6), dbSNP rs757687268, ClinGen allele CA3828394.

ClinVar aggregate classification (germline): Likely benign (1 of 4 stars; one submission).

Allele frequency attached by ClinVar (database versions not stated): gnomAD 0.00001; TOPMed 0.00001.
gnomAD v4.1: 10 of 1,614,056 alleles (0.00062%); highest among the groups gnomAD compares: Admixed American, 0.005%; no homozygotes.

Submission:

Laboratory for Molecular Medicine, Mass General Brigham Personalized Medicine
Classification: Likely benign. Last evaluated: 2015-09-03. Review status: criteria provided, single submitter. Criteria: LMM Criteria. Collection method: clinical testing. Allele origin: germline. Observed: 1 variant allele.
Comment: p.Cys252Arg in exon 6 of RSPH9: This variant is not expected to have clinical si gnificance due to a lack of conservation across species, including mammals. Of n ote, 30 mammals have an arginine (Arg) at this position.